The following is an entry in ClinVar:

ClinVar aggregate classification (germline): Likely pathogenic (1 of 4 stars; one submission).

Submission:

GeneDx
Classification: Likely pathogenic. Last evaluated: 2016-04-12. Review status: criteria provided, single submitter. Criteria: GeneDx Variant Classification (06012015). Collection method: clinical testing. Allele origin: germline. Affected: yes.
Comment: The de novo K354N variant in the KCNH1 gene has not been reported previously as a pathogenic variant, nor as a benign variant, to our knowledge. The K354N variant was not observed in approximately 6,500 individuals of European and African American ancestry in the NHLBI Exome Sequencing Project, indicating it is not a common benign variant in these populations. The K354N variant is a semi-conservative amino acid substitution, which may impact secondary protein structure as these residues differ in some properties. This substitution occurs at a position that is highly conserved across species, and in silico analysis predicts this variant is probably damaging to the protein structure/function. Furthermore, missense variants in nearby residues (S352Y, R357Q) have been reported in the Human Gene Mutation Database in association with KCNH1-related disorders (Stenson et al., 2014), supporting the functional importance of this region of the protein. Therefore, the K354N variant is a strong candidate for a pathogenic variant.

NM_172362.3(KCNH1):c.1062A>C (p.Lys354Asn)

Gene: KCNH1 (potassium voltage-gated channel subfamily H member 1; minus strand). Cytogenetic location: 1q32.2.
Variant type: single nucleotide variant.
Coding change: c.1062A>C on transcript NM_172362.3 (MANE Select); coding-DNA position 1062, A replaced by C.
Protein change: p.Lys354Asn; replaces lysine 354 with asparagine.
Molecular consequence: missense variant.
Genome position (GRCh38, 1-based): chr1:210,920,040, T>G on the plus strand (A>C on the coding strand, the complement: KCNH1 is on the minus strand). VCF-style: chr1-210920040-T-G. GRCh37 (hg19) VCF-style: chr1-211093382-T-G.
Other names: c.981A>C, p.Lys327Asn (NM_002238.4); short protein forms K354N, K327N.
Identifiers: ClinVar variation 420958 (VCV000420958.2), dbSNP rs1064794817, ClinGen allele CA16617050.